The following is an entry in ClinVar:

ClinVar aggregate classification (germline): Uncertain significance (1 of 4 stars; one submission).

Conditions:
Hereditary cancer-predisposing syndrome. Also called: Hereditary Cancer Syndrome; Tumor predisposition; Hereditary neoplastic syndrome; Neoplastic Syndromes, Hereditary. Identifiers: Orphanet 140162, MedGen C0027672, MeSH D009386, MONDO:0015356.

Submission:

Ambry Genetics
Classification: Uncertain significance for Hereditary cancer-predisposing syndrome. Last evaluated: 2024-04-30. Review status: criteria provided, single submitter. Criteria: Ambry Variant Classification Scheme 2023. Collection method: clinical testing. Allele origin: germline.
Comment: The c.9827_9828dupGA variant, located in coding exon 26 of the BRCA2 gene, results from a duplication of GA at nucleotide position 9827, causing a translational frameshift with a predicted alternate stop codon (p.L3277Dfs*37). This alteration occurs at the 3' terminus of theBRCA2 gene, is not expected to trigger nonsense-mediated mRNAdecay, and only impacts the last 142 amino acids of the protein. The exact functional effect of this alteration is unknown. Based on the available evidence, the clinical significance of this variant remains unclear.

NM_000059.4(BRCA2):c.9827_9828dup (p.Leu3277fs)

Gene: BRCA2 (BRCA2 DNA repair associated; plus strand). Cytogenetic location: 13q13.1.
Variant type: Duplication.
Coding change: c.9827_9828dup on transcript NM_000059.4 (MANE Select); coding-DNA positions 9827 to 9828, 2 bases duplicated (GA; older notation c.9827_9828dupGA).
Protein change: p.Leu3277fs; shifts the reading frame from leucine 3277.
Molecular consequence: frameshift variant. On other transcripts: non-coding transcript variant (1).
Genome position (GRCh38, 1-based): chr13:32,398,340-32,398,341, GA duplicated; duplicating any 2 consecutive bases within chr13:32,398,339-32,398,341 gives the same sequence; the c. name uses the placement nearest the transcript's 3' end. VCF-style (leftmost placement, unchanged base first): chr13-32398338-T-TAG. GRCh37 (hg19) VCF-style: chr13-32972475-T-TAG.
Other names: c.9731_9732dup, p.Leu3245fs (NM_001406719.1); c.9776_9777dup, p.Leu3260fs (NM_001406720.1); c.4895_4896dup, p.Leu1633fs (NM_001406721.1); c.3410_3411dup, p.Leu1138fs (NM_001406722.1); c.9827_9828dupGA (NM_000059.3); short protein forms L1633fs, L3260fs, L3277fs, L3245fs, L1138fs.
Identifiers: ClinVar variation 3261590 (VCV003261590.1).